The following is an entry in ClinVar:

NM_020822.3(KCNT1):c.2638C>G (p.Leu880Val)

Gene: KCNT1 (potassium sodium-activated channel subfamily T member 1; plus strand). Cytogenetic location: 9q34.3.
Variant type: single nucleotide variant.
Coding change: c.2638C>G on transcript NM_020822.3 (MANE Select); coding-DNA position 2638, C replaced by G.
Protein change: p.Leu880Val; replaces leucine 880 with valine.
Molecular consequence: missense variant.
Genome position (GRCh38, 1-based): chr9:135,778,731, C>G. VCF-style: chr9-135778731-C-G. GRCh37 (hg19) VCF-style: chr9-138670577-C-G.
Other names: c.2503C>G, p.Leu835Val (NM_001272003.2); short protein forms L835V, L880V.
Identifiers: ClinVar variation 4070681 (VCV004070681.1).

ClinVar aggregate classification (germline): Uncertain significance (1 of 4 stars; one submission).

Submission:

GeneDx
Classification: Uncertain significance. Last evaluated: 2025-01-15. Review status: criteria provided, single submitter. Criteria: GeneDx Variant Classification Process June 2021. Collection method: clinical testing. Allele origin: germline. Affected: yes.
Comment: Not observed at significant frequency in large population cohorts (gnomAD); In silico analysis supports that this missense variant has a deleterious effect on protein structure/function; Has not been previously published as pathogenic or benign to our knowledge